The following is an entry in ClinVar:

ClinVar aggregate classification (germline): Uncertain significance. Review status: criteria provided, multiple submitters, no conflicts (2 of 4 stars). 2 submissions from 2 submitters: Uncertain significance (2). Last evaluated 2024-11-29.

Conditions:
Ullrich congenital muscular dystrophy 2 (UCMD2). Identifiers: Orphanet 75840, MedGen C4225314, MONDO:0014654, OMIM 616470.
Bethlem myopathy 2 (BTHLM2). Identifiers: Orphanet 536516, Orphanet 610, MedGen C4225313, MONDO:0034022, OMIM 616471.

gnomAD v4.1: 3 of 1,596,766 alleles (0.00019%); highest among the groups gnomAD compares: African/African-American, 0.0013%; no homozygotes.

Submissions (2):

Labcorp Genetics (formerly Invitae), Labcorp
Classification: Uncertain significance for Bethlem myopathy 2; Ullrich congenital muscular dystrophy 2. Last evaluated: 2024-11-29. Review status: criteria provided, single submitter. Criteria: Invitae Variant Classification Sherloc (09022015). Collection method: clinical testing. Allele origin: germline.
Comment: This sequence change replaces threonine, which is neutral and polar, with alanine, which is neutral and non-polar, at codon 2202 of the COL12A1 protein (p.Thr2202Ala). This variant is not present in population databases (gnomAD no frequency). This variant has not been reported in the literature in individuals affected with COL12A1-related conditions. ClinVar contains an entry for this variant (Variation ID: 1318492). Invitae Evidence Modeling of protein sequence and biophysical properties (such as structural, functional, and spatial information, amino acid conservation, physicochemical variation, residue mobility, and thermodynamic stability) has been performed for this missense variant. However, the output from this modeling did not meet the statistical confidence thresholds required to predict the impact of this variant on COL12A1 protein function. In summary, the available evidence is currently insufficient to determine the role of this variant in disease. Therefore, it has been classified as a Variant of Uncertain Significance.

GeneDx
Classification: Uncertain significance. Last evaluated: 2019-04-12. Review status: criteria provided, single submitter. Criteria: GeneDx Variant Classification Process June 2021. Collection method: clinical testing. Allele origin: germline. Affected: yes.
Comment: Has not been previously published as pathogenic or benign to our knowledge; In silico analysis, which includes protein predictors and evolutionary conservation, supports a deleterious effect; Not observed in large population cohorts (Lek et al., 2016)

NM_004370.6(COL12A1):c.6604A>G (p.Thr2202Ala)

Gene: COL12A1 (collagen type XII alpha 1 chain; minus strand). Cytogenetic location: 6q13.
Variant type: single nucleotide variant.
Coding change: c.6604A>G on transcript NM_004370.6 (MANE Select); coding-DNA position 6604, A replaced by G.
Protein change: p.Thr2202Ala; replaces threonine 2202 with alanine.
Molecular consequence: missense variant.
Genome position (GRCh38, 1-based): chr6:75,125,130, T>C on the plus strand (A>G on the coding strand, the complement: COL12A1 is on the minus strand). VCF-style: chr6-75125130-T-C. GRCh37 (hg19) VCF-style: chr6-75834846-T-C.
Other names: c.3112A>G, p.Thr1038Ala (NM_080645.3); short protein forms T1038A, T2202A.
Identifiers: ClinVar variation 1318492 (VCV001318492.4), dbSNP rs2149375402, ClinGen allele CA364729258.